The following is an entry in ClinVar:

ClinVar aggregate classification (germline): Conflicting classifications of pathogenicity. Review status: criteria provided, conflicting classifications (1 of 4 stars). 7 submissions from 7 submitters: Uncertain significance (5); Likely benign (2). Last evaluated 2026-02-12.

Conditions:
NF1-related disorder. Also called: NF1-related condition. Identifiers: MedGen CN379171.
Cardiovascular phenotype. Identifiers: MedGen CN230736.
Hereditary cancer-predisposing syndrome. Also called: Tumor predisposition; Hereditary neoplastic syndrome; Neoplastic Syndromes, Hereditary; Hereditary Cancer Syndrome. Identifiers: Orphanet 140162, MedGen C0027672, MeSH D009386, MONDO:0015356.
Café-au-lait macules with pulmonary stenosis (WTSN). Also called: PULMONIC STENOSIS WITH CAFE-AU-LAIT SPOTS. Identifiers: MedGen C0553586, MONDO:0008672, OMIM 193520.
Neurofibromatosis-Noonan syndrome (NFNS). Also called: NEUROFIBROMATOSIS WITH NOONAN PHENOTYPE. Identifiers: Orphanet 638, MedGen C2931482, MONDO:0011035, OMIM 601321. Disease mechanism: loss of function.
Juvenile myelomonocytic leukemia (JMML). Also called: LEUKEMIA, JUVENILE MYELOMONOCYTIC, SOMATIC. Identifiers: Orphanet 86834, MedGen C0349639, MONDO:0011908, OMIM 607785, HP:0012209.
Neurofibromatosis, familial spinal (FSNF). Identifiers: Orphanet 636, MedGen C1834235, MONDO:0008078, OMIM 162210. Disease mechanism: loss of function.
Neurofibromatosis, type 1 (NF1). Also called: Peripheral type neurofibromatosis; VON RECKLINGHAUSEN DISEASE; NEUROFIBROMATOSIS, TYPE I, SOMATIC; Neurofibromatosis, type I. Identifiers: Orphanet 636, MedGen C0027831, MONDO:0018975, OMIM 162200. Disease mechanism: loss of function.

Allele frequency attached by ClinVar (database versions not stated): TOPMed below 0.00001; ExAC 0.00001; gnomAD 0.00001; gnomAD exomes 0.00001.
gnomAD v4.1: 25 of 1,613,850 alleles (0.0015%); highest among the groups gnomAD compares: Non-Finnish European, 0.0019%; no homozygotes.

Submissions (7):

PreventionGenetics, part of Exact Sciences
Classification: Uncertain significance for NF1-related condition. Last evaluated: 2026-02-12. Review status: criteria provided, single submitter. Criteria: ACMG Guidelines, 2015. Collection method: clinical testing. Allele origin: germline.
Comment: The NF1 c.7810C>G variant is predicted to result in the amino acid substitution p.Leu2604Val. To our knowledge, this variant has not been reported in the literature. This variant is reported in 0.0018% of alleles in individuals of European (Non-Finnish) descent in gnomAD and has conflicting interpretations in ClinVar ranging from likely benign to uncertain (Variation ID: 457855). At this time, the clinical significance of this variant is uncertain due to the absence of conclusive functional and genetic evidence.

Labcorp Genetics (formerly Invitae), Labcorp
Classification: Likely benign for Neurofibromatosis, type 1. Last evaluated: 2026-01-19. Review status: criteria provided, single submitter. Criteria: Invitae Variant Classification Sherloc (09022015). Collection method: clinical testing. Allele origin: germline.

Quest Diagnostics Nichols Institute San Juan Capistrano
Classification: Uncertain significance. Last evaluated: 2025-02-13. Review status: criteria provided, single submitter. Criteria: Quest Diagnostics criteria. Collection method: clinical testing. Allele origin: unknown.

Fulgent Genetics
Classification: Uncertain significance for Neurofibromatosis, type 1; Neurofibromatosis, familial spinal; Café-au-lait macules with pulmonary stenosis; Neurofibromatosis-Noonan syndrome; Juvenile myelomonocytic leukemia. Last evaluated: 2024-05-14. Review status: criteria provided, single submitter. Criteria: ACMG Guidelines, 2015. Collection method: clinical testing. Allele origin: germline.

Ambry Genetics
Classification: Likely benign for Cardiovascular phenotype; Hereditary cancer-predisposing syndrome. Last evaluated: 2024-01-30. Review status: criteria provided, single submitter. Criteria: Ambry Variant Classification Scheme 2023. Collection method: clinical testing. Allele origin: germline.

GeneDx
Classification: Uncertain significance. Last evaluated: 2023-10-09. Review status: criteria provided, single submitter. Criteria: GeneDx Variant Classification Process June 2021. Collection method: clinical testing. Allele origin: germline. Affected: yes.
Comment: Has not been previously published as pathogenic or benign to our knowledge; In silico analysis supports that this missense variant does not alter protein structure/function

Genome-Nilou Lab
Classification: Uncertain significance for Neurofibromatosis, type 1. Last evaluated: 2022-03-15. Review status: criteria provided, single submitter. Criteria: ACMG Guidelines, 2015. Collection method: clinical testing. Allele origin: germline. Affected: no.

NM_001042492.3(NF1):c.7810C>G (p.Leu2604Val)

Gene: NF1 (neurofibromin 1; plus strand). Cytogenetic location: 17q11.2.
Variant type: single nucleotide variant.
Coding change: c.7810C>G on transcript NM_001042492.3 (MANE Select); coding-DNA position 7810, C replaced by G.
Protein change: p.Leu2604Val; replaces leucine 2604 with valine.
Molecular consequence: missense variant.
Genome position (GRCh38, 1-based): chr17:31,357,031, C>G. VCF-style: chr17-31357031-C-G. GRCh37 (hg19) VCF-style: chr17-29684049-C-G.
Other names: c.7747C>G, p.Leu2583Val (NM_000267.4); short protein forms L2604V, L2583V.
Identifiers: ClinVar variation 457855 (VCV000457855.21), dbSNP rs776602307, ClinGen allele CA8487667.
Genomic context (GRCh38, chr17:31,357,031, plus strand): 5'-ATTTCCTCATCACAACAGCACCCACATTTACGTAAAGTTTCAGTGTCTGAATCAAATGTT[C>G]TCTTGGATGAAGAAGTACTTACTGATCCGAAGATCCAGGCGCTGCTTCTTACTGTTCTAG-3'
Protein context (NP_001035957.1, residues 2594-2614): RKVSVSESNV[Leu2604Val]LDEEVLTDPK